The following is an entry in ClinVar:

ClinVar aggregate classification (germline): Uncertain significance (1 of 4 stars; one submission).

gnomAD v4.1: 5 of 1,614,008 alleles (0.00031%); highest among the groups gnomAD compares: African/African-American, 0.0013%; no homozygotes.

Submission:

Labcorp Genetics (formerly Invitae), Labcorp
Classification: Uncertain significance. Last evaluated: 2024-04-22. Review status: criteria provided, single submitter. Criteria: Invitae Variant Classification Sherloc (09022015). Collection method: clinical testing. Allele origin: germline.
Comment: This sequence change replaces alanine, which is neutral and non-polar, with glycine, which is neutral and non-polar, at codon 1536 of the DMXL2 protein (p.Ala1536Gly). This variant is present in population databases (rs757416099, gnomAD 0.007%). This variant has not been reported in the literature in individuals affected with DMXL2-related conditions. An algorithm developed to predict the effect of missense changes on protein structure and function (PolyPhen-2) suggests that this variant is likely to be disruptive. In summary, the available evidence is currently insufficient to determine the role of this variant in disease. Therefore, it has been classified as a Variant of Uncertain Significance.

NM_001378457.1(DMXL2):c.4607C>G (p.Ala1536Gly)

Gene: DMXL2 (Dmx like 2; minus strand). Cytogenetic location: 15q21.2.
Variant type: single nucleotide variant.
Coding change: c.4607C>G on transcript NM_001378457.1 (MANE Select); coding-DNA position 4607, C replaced by G.
Protein change: p.Ala1536Gly; replaces alanine 1536 with glycine.
Molecular consequence: missense variant. On other transcripts: non-coding transcript variant (2), intron variant (2).
Genome position (GRCh38, 1-based): chr15:51,498,617, G>C on the plus strand (C>G on the coding strand, the complement: DMXL2 is on the minus strand). VCF-style: chr15-51498617-G-C. GRCh37 (hg19) VCF-style: chr15-51790814-G-C.
Other names: c.4607C>G, p.Ala1536Gly (NM_001174116.3, NM_001378458.1, NM_001378459.1 and 4 more transcripts); c.4367C>G, p.Ala1456Gly (NM_001378464.1); c.2765-6870C>G (NM_001378460.1); c.2765-3483C>G (NM_001174117.3); short protein forms A1536G, A1456G.
Identifiers: ClinVar variation 3667895 (VCV003667895.2).
Genomic context (GRCh38, chr15:51,498,617, plus strand): 5'-CAACTCTTATCTCTGCTTTCATCAAGCTCAGTACTAGTAGTAGCCACTGTATCAGCCAAA[G>C]CTACAAGGAACATCTGCTCCAAACGGGTAAGGCCTGGTAGACTTGAGTGCATAAGATGAC-3'
Protein context (NP_001365386.1, residues 1526-1546): LTRLEQMFLV[Ala1536Gly]LADTVATTST